The following is an entry in ClinVar:

ClinVar aggregate classification (germline): Likely pathogenic (1 of 4 stars; one submission).

Allele frequency attached by ClinVar (database versions not stated): ExAC 0.00001; TOPMed 0.00002; ESP Exome Variant Server 0.00008.
gnomAD v4.1: 8 of 1,614,000 alleles (0.0005%); highest among the groups gnomAD compares: Non-Finnish European, 0.00051%; no homozygotes.

Submission:

Labcorp Genetics (formerly Invitae), Labcorp
Classification: Likely pathogenic. Last evaluated: 2024-01-16. Review status: criteria provided, single submitter. Criteria: Invitae Variant Classification Sherloc (09022015). Collection method: clinical testing. Allele origin: germline.
Comment: This sequence change affects a donor splice site in intron 7 of the SLC38A8 gene. It is expected to disrupt RNA splicing. Variants that disrupt the donor or acceptor splice site typically lead to a loss of protein function (PMID: 16199547), and loss-of-function variants in SLC38A8 are known to be pathogenic (PMID: 24290379). This variant is present in population databases (rs376096200, gnomAD 0.0009%). This variant has not been reported in the literature in individuals affected with SLC38A8-related conditions. Algorithms developed to predict the effect of sequence changes on RNA splicing suggest that this variant may disrupt the consensus splice site. In summary, the currently available evidence indicates that the variant is pathogenic, but additional data are needed to prove that conclusively. Therefore, this variant has been classified as Likely Pathogenic.

Literature cited by the submitters: PubMed 16199547; PubMed 24290379.

NM_001080442.3(SLC38A8):c.953+1G>C

Gene: SLC38A8 (solute carrier family 38 member 8; minus strand). Cytogenetic location: 16q23.3.
Variant type: single nucleotide variant.
Coding change: c.953+1G>C on transcript NM_001080442.3 (MANE Select); the canonical splice donor site of the intron after coding-DNA position 953, G replaced by C.
Molecular consequence: splice donor variant.
Genome position (GRCh38, 1-based): chr16:84,017,139, C>G on the plus strand (G>C on the coding strand, the complement: SLC38A8 is on the minus strand). VCF-style: chr16-84017139-C-G. GRCh37 (hg19) VCF-style: chr16-84050744-C-G.
Identifiers: ClinVar variation 2987037 (VCV002987037.3), dbSNP rs376096200, ClinGen allele CA8199908.